The following is an entry in ClinVar:

NM_004360.5(CDH1):c.2506G>T (p.Glu836Ter)

Gene: CDH1 (cadherin 1; plus strand). Cytogenetic location: 16q22.1.
Variant type: single nucleotide variant.
Coding change: c.2506G>T on transcript NM_004360.5 (MANE Select); coding-DNA position 2506, G replaced by T.
Protein change: p.Glu836Ter; replaces glutamic acid 836 with a stop codon.
Molecular consequence: nonsense.
Genome position (GRCh38, 1-based): chr16:68,833,356, G>T. VCF-style: chr16-68833356-G-T. GRCh37 (hg19) VCF-style: chr16-68867259-G-T.
Other names: NM_004360.4(CDH1):c.2506G>T; c.2506G>T (LRG_301t1); c.2323G>T, p.Glu775Ter (NM_001317184.2); c.958G>T, p.Glu320Ter (NM_001317185.2); c.541G>T, p.Glu181Ter (NM_001317186.2); short protein forms E836*, E775*, E181*, E320*.
Identifiers: ClinVar variation 479504 (VCV000479504.7), dbSNP rs1555518239, ClinGen allele CA396472215.

ClinVar aggregate classification (germline): Pathogenic. Review status: reviewed by expert panel (3 of 4 stars). 2 submissions from 2 submitters: Pathogenic (1). 1 of the submissions does not count toward it. Last evaluated 2023-08-29.

Conditions:
Hereditary cancer-predisposing syndrome. Also called: Hereditary Cancer Syndrome; Neoplastic Syndromes, Hereditary; Tumor predisposition; Hereditary neoplastic syndrome. Identifiers: Orphanet 140162, MedGen C0027672, MeSH D009386, MONDO:0015356.
CDH1-related diffuse gastric and lobular breast cancer syndrome. Also called: CDH1-related diffuse gastric and lobular breast cancer. Identifiers: MedGen CN311521, MONDO:0100488.

Submissions (2):

Clingen Gastric Cancer Variant Curation Expert Panel
Classification: Pathogenic for CDH1-related diffuse gastric and lobular breast cancer syndrome. Last evaluated: 2023-08-29. Review status: reviewed by expert panel. Criteria: ClinGen CDH1 ACMG Specifications V3.1. Collection method: curation. Allele origin: germline. Inheritance: Autosomal dominant inheritance.
Comment: The c.2506G>T (p.Glu836*) variant results in a premature stop codon that leads to a truncated protein. While it is located within the nonsense mediated decay resistance region,it is recognized as the most c-terminal pathogenic variant in CDH1 (PVS1_Strong, PMID: 29798843). This variant is absent in the gnomAD cohort (PM2_Supporting). There is one known de novo observation with parental confirmation in a patient with diffuse gastric cancer and/or lobular breast cancer (PS2; PMID: 29798843). In summary, this variant meets criteria to be classified as likely pathogenic based on the ACMG/AMP criteria applied as specified by the CDH1 Variant Curation Expert Panel: PVS1_Strong, PM2_Supporting, PS2.

Ambry Genetics
Classification: Likely pathogenic for Hereditary cancer-predisposing syndrome. Last evaluated: 2018-10-15. Review status: criteria provided, single submitter. Criteria: Ambry Variant Classification Scheme 2023. Collection method: clinical testing. Allele origin: germline. Not counted in ClinVar's aggregate classification.
Comment: The p.E836* variant (also known as c.2506G>T), located in coding exon 16 of the CDH1 gene, results from a G to T substitution at nucleotide position 2506. This changes the amino acid from a glutamic acid to a stop codon within coding exon 16. Premature stop codons are typically deleterious in nature, however, this stop codon occurs at the 3' terminus of CDH1, is not expected to trigger nonsense-mediated mRNA decay, and impacts only the last 47 amino acids of the protein. The exact functional impact of these removed amino acids is unknown at this time; however, the deleted region eliminates the catenin-binding domain, which is important for regulating the stability of cadherin mediated cell-cell adhesion (Ishiyama N et al. Cell. 2010 Apr;141:117-28). Based on the majority of available evidence to date, this variant is likely to be pathogenic.

Literature cited by the submitters: PubMed 20371349 (cited by Ambry Genetics); PubMed 29798843 (cited by Ambry Genetics).